The following is an entry in ClinVar:

NM_001267550.2(TTN):c.58733-5T>A

Genes: TTN (titin; minus strand), TTN-AS1 (TTN antisense RNA 1; plus strand). Cytogenetic location: 2q31.2.
Variant type: single nucleotide variant.
Coding change: c.58733-5T>A on transcript NM_001267550.2 (MANE Select); 5 bases into the intron before coding-DNA position 58733, T replaced by A.
Molecular consequence: intron variant.
Genome position (GRCh38, 1-based): chr2:178,593,480, A>T on the plus strand (T>A on the coding strand, the complement: TTN is on the minus strand). VCF-style: chr2-178593480-A-T. GRCh37 (hg19) VCF-style: chr2-179458207-A-T.
Other names: c.31538-5T>A (NM_003319.4); c.32114-5T>A (NM_133437.4); c.31913-5T>A (NM_133432.3); c.51029-5T>A (NM_133378.4); c.53810-5T>A (NM_001256850.1).
Identifiers: ClinVar variation 1564491 (VCV001564491.9), dbSNP rs1254611353, ClinGen allele CA761290861.
Genomic context (GRCh38, chr2:178,593,480, plus strand): 5'-TGCAGAGTCTTTGGTAACTTCTGTAACAATTGGCTGATCAGGTGCATCAGGAACCCCTGT[A>T]ACAAATGTTGGAAAATGCGTTAGAAATTTATTTCTTTATATTAGTTTTATCAAGCATTGA-3'

ClinVar aggregate classification (germline): Conflicting classifications of pathogenicity. Review status: criteria provided, conflicting classifications (1 of 4 stars). 2 submissions from 2 submitters: Uncertain significance (1); Likely benign (1). Last evaluated 2026-04-28.

Conditions:
Dilated cardiomyopathy 1G (CMD1G). Identifiers: Orphanet 154, MedGen C1858763, MONDO:0011400, OMIM 604145.
Autosomal recessive limb-girdle muscular dystrophy type 2J (LGMDR10). Also called: Limb-girdle muscular dystrophy, type 2J; MUSCULAR DYSTROPHY, LIMB-GIRDLE, AUTOSOMAL RECESSIVE 10. Identifiers: Orphanet 140922, MedGen C1837342, MONDO:0012127, OMIM 608807.
Cardiovascular phenotype. Identifiers: MedGen CN230736.

Allele frequency attached by ClinVar (database versions not stated): gnomAD exomes below 0.00001; gnomAD 0.00001; TOPMed 0.00001.
gnomAD v4.1: 3 of 1,603,344 alleles (0.00019%); highest among the groups gnomAD compares: African/African-American, 0.0014%; no homozygotes.

Submissions (2):

Ambry Genetics
Classification: Uncertain significance for Cardiovascular phenotype. Last evaluated: 2026-04-28. Review status: criteria provided, single submitter. Criteria: Ambry Variant Classification Scheme 2023. Collection method: clinical testing. Allele origin: germline.
Comment: The c.31538-5T>A intronic variant results from a T to A substitution 5 nucleotides upstream from coding exon 126 in the TTN gene. This nucleotide position is not well conserved in available vertebrate species. In silico splice site analysis predicts that this alteration will not have any significant effect on splicing. Based on the available evidence, the clinical significance of this variant remains unclear.

Labcorp Genetics (formerly Invitae), Labcorp
Classification: Likely benign for Dilated cardiomyopathy 1G; Autosomal recessive limb-girdle muscular dystrophy type 2J. Last evaluated: 2023-12-30. Review status: criteria provided, single submitter. Criteria: Invitae Variant Classification Sherloc (09022015). Collection method: clinical testing. Allele origin: germline.